The following is an entry in ClinVar:

ClinVar aggregate classification (germline): Pathogenic (1 of 4 stars; one submission).

Submission:

Labcorp Genetics (formerly Invitae), Labcorp
Classification: Pathogenic. Last evaluated: 2023-05-30. Review status: criteria provided, single submitter. Criteria: Invitae Variant Classification Sherloc (09022015). Collection method: clinical testing. Allele origin: unknown.
Comment: For these reasons, this variant has been classified as Pathogenic. This variant disrupts a region of the OCA2 protein in which other variant(s) (p.Tyr827*) have been determined to be pathogenic (PMID: 29345414). This suggests that this is a clinically significant region of the protein, and that variants that disrupt it are likely to be disease-causing. This variant has not been reported in the literature in individuals affected with OCA2-related conditions. This variant is a gross deletion of the genomic region encompassing exon(s) 23 of the OCA2 gene. While this deletion is not anticipated to lead to nonsense mediated decay, it is expected to disrupt the C-terminus of the protein.

Literature cited by the submitters: PubMed 29345414.

NC_000015.9:g.(?_28090085)_(28090218_?)del

Gene: OCA2 (OCA2 melanosomal transmembrane protein; minus strand). Cytogenetic location: 15q12.
Variant type: Deletion.
Identifiers: ClinVar variation 3243837 (VCV003243837.1).